The following is an entry in ClinVar:

ClinVar aggregate classification (germline): Uncertain significance (1 of 4 stars; one submission).

Conditions:
Mendelian susceptibility to mycobacterial diseases due to complete ISG15 deficiency. Also called: Immunodeficiency 38; IMMUNODEFICIENCY 38, MYCOBACTERIOSIS, AUTOSOMAL RECESSIVE; ISG15 DEFICIENCY, AUTOSOMAL RECESSIVE; Immunodeficiency 38 with basal ganglia calcification. Identifiers: Orphanet 319563, MedGen C4015293, MONDO:0014502, OMIM 616126.

Allele frequency attached by ClinVar (database versions not stated): ExAC 0.00001; gnomAD 0.00001; 1000 Genomes Project 30x 0.00031.

Submission:

Labcorp Genetics (formerly Invitae), Labcorp
Classification: Uncertain significance for Mendelian susceptibility to mycobacterial diseases due to complete ISG15 deficiency. Last evaluated: 2022-07-17. Review status: criteria provided, single submitter. Criteria: Invitae Variant Classification Sherloc (09022015). Collection method: clinical testing. Allele origin: germline.
Comment: In summary, the available evidence is currently insufficient to determine the role of this variant in disease. Therefore, it has been classified as a Variant of Uncertain Significance. Experimental studies and prediction algorithms are not available or were not evaluated, and the functional significance of this variant is currently unknown. This variant has not been reported in the literature in individuals affected with ISG15-related conditions. This variant is present in population databases (rs758781783, gnomAD 0.003%). This sequence change results in a frameshift in the ISG15 gene (p.Tyr96Leufs*?). While this is not anticipated to result in nonsense mediated decay, it is expected to disrupt the last 70 amino acid(s) of the ISG15 protein and extend the protein by an uncertain number of additional amino acid residues.

NM_005101.4(ISG15):c.286dup (p.Tyr96fs)

Gene: ISG15 (ISG15 ubiquitin like modifier; plus strand). Cytogenetic location: 1p36.33.
Variant type: Duplication.
Coding change: c.286dup on transcript NM_005101.4 (MANE Select); coding-DNA position 286, one base duplicated (T; older notation c.286dupT).
Protein change: p.Tyr96fs; shifts the reading frame from tyrosine 96.
Molecular consequence: frameshift variant.
Genome position (GRCh38, 1-based): chr1:1,014,266, T duplicated. VCF-style (leftmost placement, unchanged base first): chr1-1014265-C-CT. GRCh37 (hg19) VCF-style: chr1-949645-C-CT.
Other names: short protein forms Y96fs.
Identifiers: ClinVar variation 1948866 (VCV001948866.5), dbSNP rs758781783, ClinGen allele CA507662.
Genomic context (GRCh38, chr1:1,014,265, plus strand): 5'-GGACAAATGCGACGAACCTCTGAGCATCCTGGTGAGGAATAACAAGGGCCGCAGCAGCAC[C>CT]TACGAGGTACGGCTGACGCAGACCGTGGCCCACCTGAAGCAGCAAGTGAGCGGGCTGGAG-3'